The following is an entry in ClinVar:

ClinVar aggregate classification (germline): Uncertain significance. Review status: criteria provided, multiple submitters, no conflicts (2 of 4 stars). 2 submissions from 2 submitters: Uncertain significance (2). Last evaluated 2025-02-27.

Conditions:
Cardiovascular phenotype. Identifiers: MedGen CN230736.

Allele frequency attached by ClinVar (database versions not stated): gnomAD exomes 0.00001; TOPMed 0.00001; ExAC 0.00002; gnomAD 0.00003; 1000 Genomes Project 30x 0.00021; 1000 Genomes Project 0.00026.
gnomAD v4.1: 10 of 1,210,894 alleles (0.00083%); highest among the groups gnomAD compares: East Asian, 0.027%; no homozygotes.

Submissions (2):

Ambry Genetics
Classification: Uncertain significance for Cardiovascular phenotype. Last evaluated: 2025-02-27. Review status: criteria provided, single submitter. Criteria: Ambry Variant Classification Scheme 2023. Collection method: clinical testing. Allele origin: germline.
Comment: The p.A330D variant (also known as c.989C>A), located in coding exon 7 of the BGN gene, results from a C to A substitution at nucleotide position 989. The alanine at codon 330 is replaced by aspartic acid, an amino acid with dissimilar properties. This amino acid position is conserved. In addition, this alteration is predicted to be tolerated by in silico analysis. Based on the available evidence, the clinical significance of this variant remains unclear.

Labcorp Genetics (formerly Invitae), Labcorp
Classification: Uncertain significance. Last evaluated: 2023-07-31. Review status: criteria provided, single submitter. Criteria: Invitae Variant Classification Sherloc (09022015). Collection method: clinical testing. Allele origin: germline.
Comment: This sequence change replaces alanine, which is neutral and non-polar, with aspartic acid, which is acidic and polar, at codon 330 of the BGN protein (p.Ala330Asp). This variant is present in population databases (rs200168210, gnomAD 0.008%). This variant has not been reported in the literature in individuals affected with BGN-related conditions. Advanced modeling of protein sequence and biophysical properties (such as structural, functional, and spatial information, amino acid conservation, physicochemical variation, residue mobility, and thermodynamic stability) performed at Invitae indicates that this missense variant is not expected to disrupt BGN protein function. In summary, the available evidence is currently insufficient to determine the role of this variant in disease. Therefore, it has been classified as a Variant of Uncertain Significance.

NM_001711.6(BGN):c.989C>A (p.Ala330Asp)

Gene: BGN (biglycan; plus strand). Cytogenetic location: Xq28.
Variant type: single nucleotide variant.
Coding change: c.989C>A on transcript NM_001711.6 (MANE Select); coding-DNA position 989, C replaced by A.
Protein change: p.Ala330Asp; replaces alanine 330 with aspartic acid.
Molecular consequence: missense variant.
Genome position (GRCh38, 1-based): chrX:153,508,327, C>A. VCF-style: chrX-153508327-C-A. GRCh37 (hg19) VCF-style: chrX-152773785-C-A.
Other names: c.989C>A (NM_001711.4); short protein forms A330D.
Identifiers: ClinVar variation 2809726 (VCV002809726.4), dbSNP rs200168210, ClinGen allele CA10547376.